The following is an entry in ClinVar:

ClinVar aggregate classification (germline): Uncertain significance. Review status: criteria provided, multiple submitters, no conflicts (2 of 4 stars). 5 submissions from 5 submitters: Uncertain significance (5). Last evaluated 2026-04-20.

Conditions:
Familial cancer of breast. Also called: BREAST CANCER, FAMILIAL; hereditary breast carcinoma; Hereditary breast cancer. Identifiers: Orphanet 227535, MedGen C0346153, MONDO:0016419, OMIM 114480. Disease mechanism: loss of function.
Fanconi anemia complementation group J. Also called: BRIP1-Related Fanconi Anemia. Identifiers: Orphanet 84, MedGen C1836860, MONDO:0012187, OMIM 609054.
Hereditary cancer-predisposing syndrome. Also called: Hereditary neoplastic syndrome; Neoplastic Syndromes, Hereditary; Hereditary Cancer Syndrome; Tumor predisposition. Identifiers: Orphanet 140162, MedGen C0027672, MeSH D009386, MONDO:0015356.

Allele frequency attached by ClinVar (database versions not stated): gnomAD exomes below 0.00001; gnomAD 0.00001.
gnomAD v4.1: 4 of 1,613,954 alleles (0.00025%); highest among the groups gnomAD compares: Non-Finnish European, 0.00034%; no homozygotes.

Submissions (5):

Institute of Human Genetics, University of Leipzig Medical Center
Classification: Uncertain significance for Familial cancer of breast. Last evaluated: 2026-04-20. Review status: criteria provided, single submitter. Criteria: ACMG Guidelines, 2015. Collection method: clinical testing. Allele origin: unknown. Affected: yes.
Comment: Criteria applied: PM2_SUP, BP4

Labcorp Genetics (formerly Invitae), Labcorp
Classification: Uncertain significance for Familial cancer of breast; Fanconi anemia complementation group J. Last evaluated: 2024-09-10. Review status: criteria provided, single submitter. Criteria: Invitae Variant Classification Sherloc (09022015). Collection method: clinical testing. Allele origin: germline.
Comment: This sequence change replaces threonine, which is neutral and polar, with alanine, which is neutral and non-polar, at codon 121 of the BRIP1 protein (p.Thr121Ala). This variant is not present in population databases (gnomAD no frequency). This variant has not been reported in the literature in individuals affected with BRIP1-related conditions. ClinVar contains an entry for this variant (Variation ID: 631313). Invitae Evidence Modeling of protein sequence and biophysical properties (such as structural, functional, and spatial information, amino acid conservation, physicochemical variation, residue mobility, and thermodynamic stability) indicates that this missense variant is not expected to disrupt BRIP1 protein function with a negative predictive value of 80%. In summary, the available evidence is currently insufficient to determine the role of this variant in disease. Therefore, it has been classified as a Variant of Uncertain Significance.

GeneDx
Classification: Uncertain significance. Last evaluated: 2024-02-13. Review status: criteria provided, single submitter. Criteria: GeneDx Variant Classification Process June 2021. Collection method: clinical testing. Allele origin: germline. Affected: yes.
Comment: Not observed at significant frequency in large population cohorts (gnomAD); In silico analysis supports that this missense variant does not alter protein structure/function; Has not been previously published as pathogenic or benign to our knowledge

Color Diagnostics, LLC DBA Color Health
Classification: Uncertain significance for Hereditary cancer-predisposing syndrome. Last evaluated: 2023-12-05. Review status: criteria provided, single submitter. Criteria: ACMG Guidelines, 2015. Collection method: clinical testing. Allele origin: germline.
Comment: This missense variant replaces threonine with alanine at codon 121 of the BRIP1 protein. Computational prediction suggests that this variant may not impact protein structure and function (internally defined REVEL score threshold <= 0.5, PMID: 27666373). To our knowledge, functional studies have not been reported for this variant. This variant has not been reported in individuals affected with BRIP1-related disorders in the literature. This variant has not been identified in the general population by the Genome Aggregation Database (gnomAD). The available evidence is insufficient to determine the role of this variant in disease conclusively. Therefore, this variant is classified as a Variant of Uncertain Significance.

Ambry Genetics
Classification: Uncertain significance for Hereditary cancer-predisposing syndrome. Last evaluated: 2020-10-28. Review status: criteria provided, single submitter. Criteria: Ambry Variant Classification Scheme 2023. Collection method: clinical testing. Allele origin: germline.
Comment: The p.T121A variant (also known as c.361A>G), located in coding exon 3 of the BRIP1 gene, results from an A to G substitution at nucleotide position 361. The threonine at codon 121 is replaced by alanine, an amino acid with similar properties. This amino acid position is not well conserved in available vertebrate species. In addition, this alteration is predicted to be tolerated by in silico analysis. Since supporting evidence is limited at this time, the clinical significance of this alteration remains unclear.

NM_032043.3(BRIP1):c.361A>G (p.Thr121Ala)

Gene: BRIP1 (BRCA1 interacting DNA helicase 1; minus strand). Cytogenetic location: 17q23.2.
Variant type: single nucleotide variant.
Coding change: c.361A>G on transcript NM_032043.3 (MANE Select); coding-DNA position 361, A replaced by G.
Protein change: p.Thr121Ala; replaces threonine 121 with alanine.
Molecular consequence: missense variant.
Genome position (GRCh38, 1-based): chr17:61,857,076, T>C on the plus strand (A>G on the coding strand, the complement: BRIP1 is on the minus strand). VCF-style: chr17-61857076-T-C. GRCh37 (hg19) VCF-style: chr17-59934437-T-C.
Other names: short protein forms T121A.
Identifiers: ClinVar variation 631313 (VCV000631313.19), dbSNP rs1567874478, ClinGen allele CA400485298.
Genomic context (GRCh38, chr17:61,857,076, plus strand): 5'-CTTATTACAGATATCAACTGACCCAGGCAAAATATAAATTACCTTGACAAGTTGATGAAG[T>C]GCCATTTCTTTCAGAAGGTGGTGTGCTTGGATAGTTGAAATGACGTGAAGTTCCTTGGTT-3'
Protein context (NP_114432.2, residues 111-131): PSTPPSERNG[Thr121Ala]SSTCQDSPEK